The following is an entry in ClinVar:

ClinVar aggregate classification (germline): Uncertain significance (1 of 4 stars; one submission).

Allele frequency attached by ClinVar (database versions not stated): ExAC 0.00001; gnomAD 0.00001; gnomAD exomes 0.00001.
gnomAD v4.1: 13 of 1,613,484 alleles (0.00081%); highest among the groups gnomAD compares: African/African-American, 0.0013%; no homozygotes.

Submission:

GeneDx
Classification: Uncertain significance. Last evaluated: 2019-06-21. Review status: criteria provided, single submitter. Criteria: GeneDx Variant Classification Process June 2021. Collection method: clinical testing. Allele origin: germline. Affected: yes.
Comment: Not observed at a significant frequency in large population cohorts (Lek et al., 2016); In silico analysis, which includes protein predictors and evolutionary conservation, supports a deleterious effect; Has not been previously published as pathogenic or benign to our knowledge

NM_033163.5(FGF8):c.559C>T (p.Arg187Trp)

Gene: FGF8 (fibroblast growth factor 8; minus strand). Cytogenetic location: 10q24.32.
Variant type: single nucleotide variant.
Coding change: c.559C>T on transcript NM_033163.5 (MANE Select); coding-DNA position 559, C replaced by T.
Protein change: p.Arg187Trp; replaces arginine 187 with tryptophan.
Molecular consequence: missense variant.
Genome position (GRCh38, 1-based): chr10:101,770,505, G>A on the plus strand (C>T on the coding strand, the complement: FGF8 is on the minus strand). VCF-style: chr10-101770505-G-A. GRCh37 (hg19) VCF-style: chr10-103530262-G-A.
Other names: c.247C>T, p.Arg83Trp (NM_001206389.2); c.472C>T, p.Arg158Trp (NM_006119.6); c.526C>T, p.Arg176Trp (NM_033164.4); c.439C>T, p.Arg147Trp (NM_033165.5); short protein forms R147W, R158W, R176W, R187W, R83W.
Identifiers: ClinVar variation 1306228 (VCV001306228.2), dbSNP rs774080225, ClinGen allele CA5657556.
Genomic context (GRCh38, chr10:101,770,505, plus strand): 5'-GCCGCTTCATGAAGTGGACCTCACGCTGGTGCTGCCGCGTCTTGGAGCCCTTGCGGGGCC[G>A]GCCCTTGCGGGTGAAGGCCATGTACCAGCCCTCGTACTTGGCATTCTGCAGCGCTGTGTA-3'
Protein context (NP_149353.1, residues 177-197): GWYMAFTRKG[Arg187Trp]PRKGSKTRQH